The following is an entry in ClinVar:

ClinVar aggregate classification (germline): Uncertain significance (1 of 4 stars; one submission).

Conditions:
Atrial septal defect 5 (ASD5). Identifiers: Orphanet 1478, MedGen C2748552, MONDO:0013011, OMIM 612794.
Hypertrophic cardiomyopathy 11. Also called: ACTC1-Related Familial Hypertrophic Cardiomyopathy. Identifiers: MedGen C2677506, MONDO:0012799, OMIM 612098.
Dilated cardiomyopathy 1R (CMD1R). Identifiers: Orphanet 154, Orphanet 54260, MedGen C3150681, MONDO:0013261, OMIM 613424.

Submission:

Labcorp Genetics (formerly Invitae), Labcorp
Classification: Uncertain significance for Dilated cardiomyopathy 1R; Hypertrophic cardiomyopathy 11; Atrial septal defect 5. Last evaluated: 2026-01-06. Review status: criteria provided, single submitter. Criteria: Invitae Variant Classification Sherloc (09022015). Collection method: clinical testing. Allele origin: germline.
Comment: This sequence change replaces valine, which is neutral and non-polar, with leucine, which is neutral and non-polar, at codon 47 of the ACTC1 protein (p.Val47Leu). This variant is not present in population databases (gnomAD no frequency). This variant has not been reported in the literature in individuals affected with ACTC1-related conditions. An algorithm developed to predict the effect of missense changes on protein structure and function (PolyPhen-2) suggests that this variant is likely to be tolerated. In summary, the available evidence is currently insufficient to determine the role of this variant in disease. Therefore, it has been classified as a Variant of Uncertain Significance.

NM_005159.5(ACTC1):c.139G>T (p.Val47Leu)

Genes: ACTC1 (actin alpha cardiac muscle 1; minus strand), GJD2-DT (GJD2 divergent transcript; plus strand). Cytogenetic location: 15q14.
Variant type: single nucleotide variant.
Coding change: c.139G>T on transcript NM_005159.5 (MANE Select); coding-DNA position 139, G replaced by T.
Protein change: p.Val47Leu; replaces valine 47 with leucine.
Molecular consequence: missense variant. On other transcripts: 5 prime UTR variant (1).
Genome position (GRCh38, 1-based): chr15:34,793,560, C>A on the plus strand (G>T on the coding strand, the complement: ACTC1 is on the minus strand). VCF-style: chr15-34793560-C-A. GRCh37 (hg19) VCF-style: chr15-35085761-C-A.
Other names: c.139G>T, p.Val47Leu (NM_001406482.1, NM_001406483.1); c.4G>T, p.Val2Leu (NM_001406484.1); c.-250G>T (NM_001406485.1); short protein forms V47L, V2L.
Identifiers: ClinVar variation 4787195 (VCV004787195.1).